The following is an entry in ClinVar:

ClinVar aggregate classification (germline): Conflicting classifications of pathogenicity. Review status: criteria provided, conflicting classifications (1 of 4 stars). 5 submissions from 5 submitters: Uncertain significance (1); Likely benign (4). Last evaluated 2025-10-02.

Conditions:
Bethlem myopathy 1A. Also called: Bethlem myopathy 1; Bethlem Muscular Dystrophy; MYOPATHY, BENIGN CONGENITAL, WITH CONTRACTURES. Identifiers: Orphanet 610, MedGen CN029274, MONDO:0024530, OMIM 158810.

Allele frequency attached by ClinVar (database versions not stated): ExAC 0.00002; gnomAD exomes 0.00003 and 0.00009; TOPMed 0.00005; gnomAD 0.00006 and 0.00007; 1000 Genomes Project 30x 0.00016; 1000 Genomes Project 0.00020.
gnomAD v4.1: 149 of 1,614,250 alleles (0.0092%); highest among the groups gnomAD compares: Non-Finnish European, 0.012%; no homozygotes.

Submissions (5):

Labcorp Genetics (formerly Invitae), Labcorp
Classification: Likely benign for Bethlem myopathy 1A. Last evaluated: 2025-10-02. Review status: criteria provided, single submitter. Criteria: Invitae Variant Classification Sherloc (09022015). Collection method: clinical testing. Allele origin: germline.

CeGaT Center for Human Genetics Tuebingen
Classification: Likely benign. Last evaluated: 2022-11-01. Review status: criteria provided, single submitter. Criteria: CeGaT Center For Human Genetics Tuebingen Variant Classification Criteria Version 2. Collection method: clinical testing. Allele origin: germline. Affected: yes. Observed: 1 variant allele.
Comment: COL6A3: BP4, BP7

Blueprint Genetics
Classification: Likely benign. Last evaluated: 2021-01-08. Review status: criteria provided, single submitter. Criteria: ACMG Guidelines, 2015. Collection method: clinical testing. Allele origin: germline.

GeneDx
Classification: Likely benign. Last evaluated: 2019-07-03. Review status: criteria provided, single submitter. Criteria: GeneDx Variant Classification Process June 2021. Collection method: clinical testing. Allele origin: germline. Affected: yes.

Eurofins Ntd Llc (ga)
Classification: Uncertain significance. Last evaluated: 2018-02-13. Review status: criteria provided, single submitter. Criteria: EGL ClinVar v180209 classification definitions. Collection method: clinical testing. Allele origin: germline. Observed: 2 variant alleles, 2 heterozygotes.

NM_004369.4(COL6A3):c.7590G>A (p.Val2530=)

Gene: COL6A3 (collagen type VI alpha 3 chain; minus strand). Cytogenetic location: 2q37.3.
Variant type: single nucleotide variant.
Coding change: c.7590G>A on transcript NM_004369.4 (MANE Select); coding-DNA position 7590, G replaced by A.
Protein change: p.Val2530=; no amino-acid change (valine 2530 retained).
Molecular consequence: synonymous variant.
Genome position (GRCh38, 1-based): chr2:237,344,428, C>T on the plus strand (G>A on the coding strand, the complement: COL6A3 is on the minus strand). VCF-style: chr2-237344428-C-T. GRCh37 (hg19) VCF-style: chr2-238253071-C-T.
Other names: c.5769G>A, p.Val1923= (NM_057166.5); c.6972G>A, p.Val2324= (NM_057167.4).
Identifiers: ClinVar variation 290185 (VCV000290185.46), dbSNP rs115591088, ClinGen allele CA2187771.